The following is an entry in ClinVar:

NM_015072.5(TTLL5):c.278G>C (p.Ser93Thr)

Gene: TTLL5 (tubulin tyrosine ligase like 5; plus strand). Cytogenetic location: 14q24.3.
Variant type: single nucleotide variant.
Coding change: c.278G>C on transcript NM_015072.5 (MANE Select); coding-DNA position 278, G replaced by C.
Protein change: p.Ser93Thr; replaces serine 93 with threonine.
Molecular consequence: missense variant.
Genome position (GRCh38, 1-based): chr14:75,683,563, G>C. VCF-style: chr14-75683563-G-C. GRCh37 (hg19) VCF-style: chr14-76149906-G-C.
Other names: short protein forms S93T.
Identifiers: ClinVar variation 1493056 (VCV001493056.8), dbSNP rs1884795213, ClinGen allele CA390452418.
Genomic context (GRCh38, chr14:75,683,563, plus strand): 5'-GTATCTCTGATGTTTTTTTGCCTTCTTGTCTTTCTGTCTGCCCTCAGGTTCACCCAAGCA[G>C]CACTGACTATAACCTAATGTGGACAGGATCCCACCTGAAGCCCTTCTTACTGCGCACCCT-3'
Protein context (NP_055887.3, residues 83-103): AHGFHEVHPS[Ser93Thr]TDYNLMWTGS

ClinVar aggregate classification (germline): Uncertain significance (1 of 4 stars; one submission).

Allele frequency attached by ClinVar (database versions not stated): gnomAD 0.00001.
gnomAD v4.1: 1 of 1,613,652 alleles (0.000062%); highest among the groups gnomAD compares: Admixed American, 0.0017%; no homozygotes.

Submission:

Labcorp Genetics (formerly Invitae), Labcorp
Classification: Uncertain significance. Last evaluated: 2021-08-12. Review status: criteria provided, single submitter. Criteria: Invitae Variant Classification Sherloc (09022015). Collection method: clinical testing. Allele origin: germline.
Comment: This sequence change replaces serine with threonine at codon 93 of the TTLL5 protein (p.Ser93Thr). The serine residue is moderately conserved and there is a small physicochemical difference between serine and threonine. This variant is not present in population databases (ExAC no frequency). This variant has not been reported in the literature in individuals affected with TTLL5-related conditions. Algorithms developed to predict the effect of missense changes on protein structure and function (SIFT, PolyPhen-2, Align-GVGD) all suggest that this variant is likely to be tolerated. In summary, the available evidence is currently insufficient to determine the role of this variant in disease. Therefore, it has been classified as a Variant of Uncertain Significance.